The following is an entry in ClinVar:

ClinVar aggregate classification (germline): Benign/Likely benign. Review status: criteria provided, multiple submitters, no conflicts (2 of 4 stars). 9 submissions from 9 submitters: Benign (1); Likely benign (6). 2 of the submissions do not count toward it. Last evaluated 2026-01-12.

Conditions:
Hereditary cancer-predisposing syndrome. Also called: Hereditary Cancer Syndrome; Hereditary neoplastic syndrome; Tumor predisposition; Neoplastic Syndromes, Hereditary. Identifiers: Orphanet 140162, MedGen C0027672, MeSH D009386, MONDO:0015356.
Familial cancer of breast. Also called: BREAST CANCER, FAMILIAL; hereditary breast carcinoma; Hereditary breast cancer. Identifiers: Orphanet 227535, MedGen C0346153, MONDO:0016419, OMIM 114480. Disease mechanism: loss of function.

Allele frequency attached by ClinVar (database versions not stated): gnomAD exomes 0.00001 and 0.00002; TOPMed 0.00001; ExAC 0.00002.
gnomAD v4.1: 14 of 1,614,150 alleles (0.00087%); highest among the groups gnomAD compares: Admixed American, 0.0017%; no homozygotes.

Submissions (9):

Labcorp Genetics (formerly Invitae), Labcorp
Classification: Likely benign for Familial cancer of breast. Last evaluated: 2026-01-12. Review status: criteria provided, single submitter. Criteria: Invitae Variant Classification Sherloc (09022015). Collection method: clinical testing. Allele origin: germline.

Quest Diagnostics Nichols Institute San Juan Capistrano
Classification: Likely benign. Last evaluated: 2025-07-08. Review status: criteria provided, single submitter. Criteria: Quest Diagnostics criteria. Collection method: clinical testing. Allele origin: unknown.

Myriad Genetics, Inc.
Classification: Benign for Familial cancer of breast. Last evaluated: 2023-03-31. Review status: criteria provided, single submitter. Criteria: Myriad Autosomal Dominant, Autosomal Recessive and X-Linked Classification Criteria (2023). Collection method: clinical testing. Allele origin: unknown.
Comment: This variant is considered benign. This variant is a silent/synonymous amino acid change and it is not expected to impact splicing.

Sema4
Classification: Likely benign for Hereditary cancer-predisposing syndrome. Last evaluated: 2021-10-19. Review status: criteria provided, single submitter. Criteria: Sema4 Curation Guidelines. Collection method: curation. Allele origin: germline.

GeneDx
Classification: Likely benign. Last evaluated: 2018-05-15. Review status: criteria provided, single submitter. Criteria: GeneDx Variant Classification Process June 2021. Collection method: clinical testing. Allele origin: germline. Affected: yes.
Comment: This variant is associated with the following publications: (PMID: 21165770)

Color Diagnostics, LLC DBA Color Health
Classification: Likely benign for Hereditary cancer-predisposing syndrome. Last evaluated: 2018-04-13. Review status: criteria provided, single submitter. Criteria: ACMG Guidelines, 2015. Collection method: clinical testing. Allele origin: germline.

Ambry Genetics
Classification: Likely benign for Hereditary cancer-predisposing syndrome. Last evaluated: 2015-02-18. Review status: criteria provided, single submitter. Criteria: Ambry Variant Classification Scheme 2023. Collection method: clinical testing. Allele origin: germline.

Leiden Open Variation Database
Classification: Likely benign for Familial cancer of breast. Last evaluated: 2019-05-13. Review status: no assertion criteria provided. Collection method: curation. Allele origin: germline. Affected: yes. Not counted in ClinVar's aggregate classification.
Comment: Curators: Marc Tischkowitz, Arleen D. Auerbach. Submitter to LOVD: Marc Tischkowitz.

Counsyl
Classification: Likely benign for Familial cancer of breast. Last evaluated: 2017-01-03. Review status: no assertion criteria provided. Collection method: clinical testing. Allele origin: unknown. Not counted in ClinVar's aggregate classification.

Literature cited by the submitters: PubMed 21165770 (cited by 3 submitters); PubMed 26635394 (cited by Counsyl).

NM_024675.4(PALB2):c.807T>C (p.Gly269=)

Gene: PALB2 (partner and localizer of BRCA2; minus strand). Cytogenetic location: 16p12.2.
Variant type: single nucleotide variant.
Coding change: c.807T>C on transcript NM_024675.4 (MANE Select); coding-DNA position 807, T replaced by C.
Protein change: p.Gly269=; no amino-acid change (glycine 269 retained).
Molecular consequence: synonymous variant.
Genome position (GRCh38, 1-based): chr16:23,635,739, A>G on the plus strand (T>C on the coding strand, the complement: PALB2 is on the minus strand). VCF-style: chr16-23635739-A-G. GRCh37 (hg19) VCF-style: chr16-23647060-A-G.
Identifiers: ClinVar variation 126771 (VCV000126771.24), dbSNP rs180177093, ClinGen allele CA269648.